The following is an entry in ClinVar:

NM_001136035.4(TRMT1):c.328_330del (p.Lys110del)

Gene: TRMT1 (tRNA methyltransferase 1; minus strand). Cytogenetic location: 19p13.13.
Variant type: Deletion.
Coding change: c.328_330del on transcript NM_001136035.4 (MANE Select); coding-DNA positions 328 to 330, 3 bases deleted (AAG; older notation c.328_330delAAG).
Protein change: p.Lys110del; deletes lysine 110.
Molecular consequence: inframe deletion. On other transcripts: 5 prime UTR variant (1).
Genome position (GRCh38, 1-based): chr19:13,115,749-13,115,751, CTT deleted on the plus strand (AAG on the coding strand, the reverse complement: TRMT1 is on the minus strand); deleting any 3 consecutive bases within chr19:13,115,749-13,115,753 gives the same sequence; the c. name uses the placement nearest the transcript's 3' end. VCF-style (leftmost placement, unchanged base first): chr19-13115748-CCTT-C. GRCh37 (hg19) VCF-style: chr19-13226562-CCTT-C.
Other names: c.328_330del, p.Lys110del (NM_001142554.3, NM_001351760.2, NM_017722.5); c.220_222del, p.Lys74del (NM_001351761.2); c.-443_-441del (NM_001351762.2); c.328_330del (NM_001136035.3); short protein forms K74del, K110del.
Identifiers: ClinVar variation 2409538 (VCV002409538.3), dbSNP rs775491231, ClinGen allele CA9238054.

ClinVar aggregate classification (germline): Uncertain significance. Review status: criteria provided, multiple submitters, no conflicts (2 of 4 stars). 2 submissions from 2 submitters: Uncertain significance (2). Last evaluated 2023-12-11.

Conditions:
Inborn genetic diseases. Identifiers: MedGen C0950123, MeSH D030342.

Submissions (2):

Greenwood Genetic Center Diagnostic Laboratories, Greenwood Genetic Center
Classification: Uncertain significance. Last evaluated: 2023-12-11. Review status: criteria provided, single submitter. Criteria: ACMG Guidelines, 2015. Collection method: clinical testing. Allele origin: germline. Affected: yes.
Comment: PM3_Supporting, PM4

Ambry Genetics
Classification: Uncertain significance for Inborn genetic diseases. Last evaluated: 2020-11-09. Review status: criteria provided, single submitter. Criteria: Ambry Variant Classification Scheme 2023. Collection method: clinical testing. Allele origin: germline.
Comment: The c.328_330delAAG (p.K110del) alteration is located in coding exon 3 of the TRMT1 gene, results from an in-frame AAG deletion at nucleotide positions 328 to 330. This results in the in-frame deletion of a lysine residue at codon 110. Based on data from the Genome Aggregation Database (gnomAD) database, the TRMT1 c.328_330delAAG alteration was observed in 0.01% (16/282744) of total alleles studied, with a frequency of 0.06% (15/24946) in the African subpopulation. This amino acid position is well conserved in available vertebrate species. In addition, this alteration is predicted to be inconclusive by in silico analysis (Choi, 2012). Based on insufficient or conflicting evidence, the clinical significance of this alteration remains unclear.